The following is an entry in ClinVar:

NM_000374.5(UROD):c.912C>A (p.Asn304Lys)

Gene: UROD (uroporphyrinogen decarboxylase; plus strand). Cytogenetic location: 1p34.1.
Variant type: single nucleotide variant.
Coding change: c.912C>A on transcript NM_000374.5 (MANE Select); coding-DNA position 912, C replaced by A.
Protein change: p.Asn304Lys; replaces asparagine 304 with lysine.
Molecular consequence: missense variant. On other transcripts: non-coding transcript variant (3).
Genome position (GRCh38, 1-based): chr1:45,014,976, C>A. VCF-style: chr1-45014976-C-A. GRCh37 (hg19) VCF-style: chr1-45480648-C-A.
Other names: short protein forms N304K.
Identifiers: ClinVar variation 75 (VCV000000075.6), dbSNP rs121918065, ClinGen allele CA251380.
Genomic context (GRCh38, chr1:45,014,976, plus strand): 5'-ACGTGGCGCTGGCTTTGCTTCCAGGGAGTGTGTGGGGAAGACGGTGACATTGCAGGGCAA[C>A]CTGGACCCCTGTGCCTTGTATGCATCTGAGGTAACAGCCAGGGCCCCTCTGTGTGTCTGT-3'
Protein context (NP_000365.3, residues 294-314): CVGKTVTLQG[Asn304Lys]LDPCALYASE

ClinVar aggregate classification (germline): Pathogenic. Review status: criteria provided, single submitter (1 of 4 stars). 2 submissions from 2 submitters: Pathogenic (1). 1 of the submissions does not count toward it. Last evaluated 2022-07-15.

Conditions:
Familial porphyria cutanea tarda (PCT). Also called: PCT, TYPE II; PORPHYRIA CUTANEA TARDA, TYPE II; PORPHYRIA, HEPATOCUTANEOUS TYPE; UROD DEFICIENCY; UROPORPHYRINOGEN DECARBOXYLASE DEFICIENCY; PCT, ''FAMILIAL'' TYPE. Identifiers: Orphanet 101330, Orphanet 443062, MedGen C0268323, MONDO:0008296, OMIM 176100.

Allele frequency attached by ClinVar (database versions not stated): gnomAD exomes below 0.00001; ExAC 0.00001; gnomAD 0.00001.
gnomAD v4.1: 3 of 1,613,916 alleles (0.00019%); highest among the groups gnomAD compares: Admixed American, 0.0017%; no homozygotes.

Submissions (2):

Labcorp Genetics (formerly Invitae), Labcorp
Classification: Pathogenic. Last evaluated: 2022-07-15. Review status: criteria provided, single submitter. Criteria: Invitae Variant Classification Sherloc (09022015). Collection method: clinical testing. Allele origin: germline.
Comment: Experimental studies have shown that this missense change affects UROD function (PMID: 9792863). For these reasons, this variant has been classified as Pathogenic. Algorithms developed to predict the effect of missense changes on protein structure and function (SIFT, PolyPhen-2, Align-GVGD) all suggest that this variant is likely to be disruptive. This sequence change replaces asparagine, which is neutral and polar, with lysine, which is basic and polar, at codon 304 of the UROD protein (p.Asn304Lys). This variant is present in population databases (rs121918065, gnomAD 0.0009%). This missense change has been observed in individual(s) with porphyria cutanea tarda (PMID: 9792863, 22382040; Invitae). ClinVar contains an entry for this variant (Variation ID: 75).

OMIM
Classification: Pathogenic for PORPHYRIA CUTANEA TARDA. Last evaluated: 1998-11-01. Review status: no assertion criteria provided. Collection method: literature only. Allele origin: germline. Not counted in ClinVar's aggregate classification.

Literature cited by the submitters: PubMed 9792863 (cited by Labcorp Genetics (formerly Invitae), Labcorp and OMIM); PubMed 22382040 (cited by Labcorp Genetics (formerly Invitae), Labcorp).